The following is an entry in ClinVar:

NM_002361.4(MAG):c.185A>G (p.Asn62Ser)

Gene: MAG (myelin associated glycoprotein; plus strand). Cytogenetic location: 19q13.12.
Variant type: single nucleotide variant.
Coding change: c.185A>G on transcript NM_002361.4 (MANE Select); coding-DNA position 185, A replaced by G.
Protein change: p.Asn62Ser; replaces asparagine 62 with serine.
Molecular consequence: missense variant.
Genome position (GRCh38, 1-based): chr19:35,295,751, A>G. VCF-style: chr19-35295751-A-G. GRCh37 (hg19) VCF-style: chr19-35786654-A-G.
Other names: c.185A>G (NM_002361.3); c.110A>G, p.Asn37Ser (NM_001199216.2); c.185A>G, p.Asn62Ser (NM_080600.3); short protein forms N37S, N62S.
Identifiers: ClinVar variation 2053521 (VCV002053521.5), dbSNP rs199593777, ClinGen allele CA9375946.

ClinVar aggregate classification (germline): Uncertain significance. Review status: criteria provided, multiple submitters, no conflicts (2 of 4 stars). 2 submissions from 2 submitters: Uncertain significance (2). Last evaluated 2024-08-05.

Conditions:
Inborn genetic diseases. Identifiers: MedGen C0950123, MeSH D030342.
Hereditary spastic paraplegia 75. Also called: Spastic paraplegia 75, autosomal recessive. Identifiers: Orphanet 459056, MedGen C4225250, MONDO:0014729, OMIM 616680.

Allele frequency attached by ClinVar (database versions not stated): gnomAD 0.00002; TOPMed 0.00002; ExAC 0.00002.
gnomAD v4.1: 45 of 1,613,782 alleles (0.0028%); highest among the groups gnomAD compares: East Asian, 0.011%; no homozygotes.

Submissions (2):

Ambry Genetics
Classification: Uncertain significance for Inborn genetic diseases. Last evaluated: 2024-08-05. Review status: criteria provided, single submitter. Criteria: Ambry Variant Classification Scheme 2023. Collection method: clinical testing. Allele origin: germline.

Labcorp Genetics (formerly Invitae), Labcorp
Classification: Uncertain significance for Hereditary spastic paraplegia 75. Last evaluated: 2022-03-28. Review status: criteria provided, single submitter. Criteria: Invitae Variant Classification Sherloc (09022015). Collection method: clinical testing. Allele origin: germline.
Comment: Algorithms developed to predict the effect of sequence changes on RNA splicing suggest that this variant may create or strengthen a splice site. In summary, the available evidence is currently insufficient to determine the role of this variant in disease. Therefore, it has been classified as a Variant of Uncertain Significance. Algorithms developed to predict the effect of missense changes on protein structure and function are either unavailable or do not agree on the potential impact of this missense change (SIFT: "Tolerated"; PolyPhen-2: "Probably Damaging"; Align-GVGD: "Class C0"). This sequence change replaces asparagine, which is neutral and polar, with serine, which is neutral and polar, at codon 62 of the MAG protein (p.Asn62Ser). This variant is present in population databases (rs199593777, gnomAD 0.01%). This variant has not been reported in the literature in individuals affected with MAG-related conditions.